The following is an entry in ClinVar:

ClinVar aggregate classification (germline): Benign (0 of 4 stars; one submission).

Conditions:
CFAP43-related disorder. Also called: CFAP43-related condition.

Allele frequency attached by ClinVar (database versions not stated): ESP Exome Variant Server 0.04967; gnomAD 0.05085; TOPMed 0.05150; gnomAD exomes 0.05731; ExAC 0.06405; 1000 Genomes Project 0.07688; 1000 Genomes Project 30x 0.07745.
gnomAD v4.1: 92,000 of 1,612,784 alleles (5.7%); highest among the groups gnomAD compares: South Asian, 13%; 3,284 homozygotes.

Submission:

PreventionGenetics, part of Exact Sciences
Classification: Benign for CFAP43-related condition. Last evaluated: 2019-07-17. Review status: no assertion criteria provided. Collection method: clinical testing. Allele origin: germline.
Comment: This variant is classified as benign based on ACMG/AMP sequence variant interpretation guidelines (Richards et al. 2015 PMID: 25741868, with internal and published modifications).

NM_025145.7(CFAP43):c.1178T>C (p.Ile393Thr)

Gene: CFAP43 (cilia and flagella associated protein 43; minus strand). Cytogenetic location: 10q25.1.
Variant type: single nucleotide variant.
Coding change: c.1178T>C on transcript NM_025145.7 (MANE Select); coding-DNA position 1178, T replaced by C.
Protein change: p.Ile393Thr; replaces isoleucine 393 with threonine.
Molecular consequence: missense variant.
Genome position (GRCh38, 1-based): chr10:104,197,956, A>G on the plus strand (T>C on the coding strand, the complement: CFAP43 is on the minus strand). VCF-style: chr10-104197956-A-G. GRCh37 (hg19) VCF-style: chr10-105957714-A-G.
Other names: short protein forms I393T.
Identifiers: ClinVar variation 3059847 (VCV003059847.2), dbSNP rs10883979, ClinGen allele CA5681005.
Genomic context (GRCh38, chr10:104,197,956, plus strand): 5'-CTGTGACACAGTAAAATATTCTTTACCATGAAGTATTGGGTTCCAGGTGTGATAAAGTCA[A>G]TTGCCTGAAATTTCCCATCACAAGCATCTAGGACTTTATTTAAGGTTGGCTCCTTACCAA-3'
Protein context (NP_079421.5, residues 383-403): LDACDGKFQA[Ile393Thr]DFITPGTQYF